The following is an entry in ClinVar:

ClinVar aggregate classification (germline): Pathogenic/Likely pathogenic. Review status: criteria provided, multiple submitters, no conflicts (2 of 4 stars). 2 submissions from 2 submitters: Pathogenic (1); Likely pathogenic (1). Last evaluated 2023-10-17.

Conditions:
Nemaline myopathy 2 (NEM2). Also called: Nemaline myopathy 2, autosomal recessive. Identifiers: MedGen C1850569, MONDO:0009725, OMIM 256030.
Arthrogryposis multiplex congenita 6. Identifiers: MedGen C5543431, MONDO:0030281, OMIM 619334.

Allele frequency attached by ClinVar (database versions not stated): gnomAD exomes below 0.00001.

Submissions (2):

Labcorp Genetics (formerly Invitae), Labcorp
Classification: Pathogenic for Nemaline myopathy 2. Last evaluated: 2023-10-17. Review status: criteria provided, single submitter. Criteria: Invitae Variant Classification Sherloc (09022015). Collection method: clinical testing. Allele origin: germline.
Comment: This sequence change creates a premature translational stop signal (p.Tyr2515Leufs*6) in the NEB gene. It is expected to result in an absent or disrupted protein product. Loss-of-function variants in NEB are known to be pathogenic (PMID: 25205138). This variant is not present in population databases (gnomAD no frequency). This variant has not been reported in the literature in individuals affected with NEB-related conditions. For these reasons, this variant has been classified as Pathogenic.

Baylor Genetics
Classification: Likely pathogenic for Arthrogryposis multiplex congenita 6. Last evaluated: 2022-10-17. Review status: criteria provided, single submitter. Criteria: ACMG Guidelines, 2015. Collection method: clinical testing. Allele origin: unknown.

Literature cited by the submitters: PubMed 25205138 (cited by Labcorp Genetics (formerly Invitae), Labcorp).

NM_001164508.2(NEB):c.7543dup (p.Tyr2515fs)

Gene: NEB (nebulin; minus strand). Cytogenetic location: 2q23.3.
Variant type: Duplication.
Coding change: c.7543dup on transcript NM_001164508.2 (MANE Select); coding-DNA position 7543, one base duplicated (T; older notation c.7543dupT).
Protein change: p.Tyr2515fs; shifts the reading frame from tyrosine 2515.
Molecular consequence: frameshift variant.
Genome position (GRCh38, 1-based): chr2:151,644,569, A duplicated on the plus strand (T on the coding strand, the reverse complement: NEB is on the minus strand). VCF-style (leftmost placement, unchanged base first): chr2-151644568-T-TA. GRCh37 (hg19) VCF-style: chr2-152501082-T-TA.
Other names: c.7543dup, p.Tyr2515fs (NM_001164507.2, NM_001271208.2, NM_004543.5); short protein forms Y2515fs.
Identifiers: ClinVar variation 2677155 (VCV002677155.4), dbSNP rs2552247709, ClinGen allele CA2661468907.